The following is an entry in ClinVar:

ClinVar aggregate classification (germline): Uncertain significance (1 of 4 stars; one submission).

Submission:

GeneDx
Classification: Uncertain significance. Last evaluated: 2025-08-07. Review status: criteria provided, single submitter. Criteria: GeneDx Variant Classification Process June 2021. Collection method: clinical testing. Allele origin: germline. Affected: yes.
Comment: Not observed at significant frequency in large population cohorts (gnomAD); In silico analysis suggests that this missense variant does not alter protein structure/function; Has not been previously published as pathogenic or benign to our knowledge

NM_001170629.2(CHD8):c.7708C>A (p.Pro2570Thr)

Gene: CHD8 (chromodomain helicase DNA binding protein 8; minus strand). Cytogenetic location: 14q11.2.
Variant type: single nucleotide variant.
Coding change: c.7708C>A on transcript NM_001170629.2 (MANE Select); coding-DNA position 7708, C replaced by A.
Protein change: p.Pro2570Thr; replaces proline 2570 with threonine.
Molecular consequence: missense variant.
Genome position (GRCh38, 1-based): chr14:21,385,651, G>T on the plus strand (C>A on the coding strand, the complement: CHD8 is on the minus strand). VCF-style: chr14-21385651-G-T. GRCh37 (hg19) VCF-style: chr14-21853810-G-T.
Other names: c.6871C>A, p.Pro2291Thr (NM_020920.4); short protein forms P2291T, P2570T.
Identifiers: ClinVar variation 1704091 (VCV001704091.3), dbSNP rs2501811076, ClinGen allele CA388874218.